The following is an entry in ClinVar:

NM_001042603.3(KDM5A):c.3051_3056del (p.Ala1018_Tyr1019del)

Gene: KDM5A (lysine demethylase 5A; minus strand). Cytogenetic location: 12p13.33.
Variant type: Deletion.
Coding change: c.3051_3056del on transcript NM_001042603.3 (MANE Select); coding-DNA positions 3051 to 3056, 6 bases deleted (CGCTTA; older notation c.3051_3056delCGCTTA).
Protein change: p.Ala1018_Tyr1019del.
Molecular consequence: inframe deletion.
Genome position (GRCh38, 1-based): chr12:311,045-311,050, TAAGCG deleted on the plus strand (CGCTTA on the coding strand, the reverse complement: KDM5A is on the minus strand); deleting any 6 consecutive bases within chr12:311,045-311,053 gives the same sequence; the c. name uses the placement nearest the transcript's 3' end. VCF-style (leftmost placement, unchanged base first): chr12-311044-ATAAGCG-A. GRCh37 (hg19) VCF-style: chr12-420210-ATAAGCG-A.
Identifiers: ClinVar variation 1312071 (VCV001312071.2), dbSNP rs765061262, ClinGen allele CA6378904.

ClinVar aggregate classification (germline): Uncertain significance (1 of 4 stars; one submission).

Submission:

GeneDx
Classification: Uncertain significance. Last evaluated: 2019-09-05. Review status: criteria provided, single submitter. Criteria: GeneDx Variant Classification Process June 2021. Collection method: clinical testing. Allele origin: germline. Affected: yes.
Comment: In-frame deletion of 2 amino acids in a non-repeat region; In silico analysis, which includes protein predictors and evolutionary conservation, supports a deleterious effect; Has not been previously published as pathogenic or benign to our knowledge; Variants in candidate genes are classified as variants of uncertain significance in accordance with ACMG guidelines (Richards et al., 2015)